The following is an entry in ClinVar:

ClinVar aggregate classification (germline): Benign. Review status: criteria provided, multiple submitters, no conflicts (2 of 4 stars). 13 submissions from 13 submitters: Benign (8). 5 of the submissions do not count toward it. Last evaluated 2025-07-18.

Conditions:
Noonan syndrome and Noonan-related syndrome. Identifiers: Orphanet 98733, MedGen C5681679, MONDO:0020297.
Costello syndrome (CSTLO). Also called: FACIOCUTANEOSKELETAL SYNDROME; FCS SYNDROME; HRAS-Related Costello Syndrome. Identifiers: Orphanet 3071, MedGen C0587248, MONDO:0009026, OMIM 218040.

Allele frequency attached by ClinVar (database versions not stated): ESP Exome Variant Server 0.03486; 1000 Genomes Project 30x 0.03545; 1000 Genomes Project 0.03574; gnomAD 0.03593 and 0.03685; TOPMed 0.03711; gnomAD exomes 0.04402 and 0.04651; ExAC 0.04755.
gnomAD v4.1: 73,585 of 1,607,530 alleles (4.6%); highest among the groups gnomAD compares: South Asian, 6.7%; 1,960 homozygotes.

Submissions (13):

ARUP Laboratories, Molecular Genetics and Genomics, ARUP Laboratories
Classification: Benign. Last evaluated: 2025-07-18. Review status: criteria provided, single submitter. Criteria: ARUP Molecular Germline Variant Investigation Process 2024. Collection method: clinical testing. Allele origin: germline.

Blueprint Genetics
Classification: Benign. Last evaluated: 2024-11-27. Review status: criteria provided, single submitter. Criteria: ACMG Guidelines, 2015. Collection method: clinical testing. Allele origin: germline.

Labcorp Genetics (formerly Invitae), Labcorp
Classification: Benign for Costello syndrome. Last evaluated: 2022-11-22. Review status: criteria provided, single submitter. Criteria: Invitae Variant Classification Sherloc (09022015). Collection method: clinical testing. Allele origin: germline.

Genome Diagnostics Laboratory, The Hospital for Sick Children
Classification: Benign for Noonan syndrome and Noonan-related syndrome. Last evaluated: 2021-06-16. Review status: criteria provided, single submitter. Criteria: ACMG Guidelines, 2015. Collection method: clinical testing. Allele origin: germline.

Mayo Clinic Laboratories, Mayo Clinic
Classification: Benign. Last evaluated: 2017-12-18. Review status: criteria provided, single submitter. Criteria: ACMG Guidelines, 2015. Collection method: clinical testing. Allele origin: germline. Observed: 182 variant alleles.

GeneDx
Classification: Benign. Last evaluated: 2012-01-24. Review status: criteria provided, single submitter. Criteria: GeneDx Variant Classification (06012015). Collection method: clinical testing. Allele origin: germline. Affected: yes.
Comment: This variant is considered likely benign or benign based on one or more of the following criteria: it is a conservative change, it occurs at a poorly conserved position in the protein, it is predicted to be benign by multiple in silico algorithms, and/or has population frequency not consistent with disease.

Breakthrough Genomics
Classification: Benign. Review status: criteria provided, single submitter. Criteria: ACMG Guidelines, 2015. Collection method: not provided. Allele origin: germline. Inheritance: Autosomal dominant inheritance. Affected: yes.

PreventionGenetics, part of Exact Sciences
Classification: Benign. Review status: criteria provided, single submitter. Criteria: ACMG Guidelines, 2015. Collection method: clinical testing. Allele origin: germline.

Laboratory for Molecular Medicine, Mass General Brigham Personalized Medicine
Classification: Benign. Last evaluated: 2007-05-29. Review status: no assertion criteria provided. Collection method: clinical testing. Allele origin: germline. Observed: 298 variant alleles. Not counted in ClinVar's aggregate classification.

Clinical Genetics DNA and cytogenetics Diagnostics Lab, Erasmus MC, Erasmus Medical Center
Classification: Benign. Review status: no assertion criteria provided. Collection method: clinical testing. Allele origin: germline. Affected: yes. Study: VKGL Data-share Consensus. Not counted in ClinVar's aggregate classification.

Clinical Genetics, Academic Medical Center
Classification: Benign. Review status: no assertion criteria provided. Collection method: clinical testing. Allele origin: germline. Affected: yes. Study: VKGL Data-share Consensus. Not counted in ClinVar's aggregate classification.

Department of Pathology and Laboratory Medicine, Sinai Health System
Classification: Benign. Review status: no assertion criteria provided. Collection method: clinical testing. Allele origin: unknown. Affected: yes. Study: The Canadian Open Genetics Repository (COGR). Not counted in ClinVar's aggregate classification.
Comment: LB/B > 4 on ClinVar or LB/B > 2 Rep

Diagnostic Laboratory, Department of Genetics, University Medical Center Groningen
Classification: Benign. Review status: no assertion criteria provided. Collection method: clinical testing. Allele origin: germline. Affected: yes. Study: VKGL Data-share Consensus. Not counted in ClinVar's aggregate classification.

Literature cited by the submitters: PubMed 16372351 (cited by Laboratory for Molecular Medicine, Mass General Brigham Personalized Medicine).

NM_005343.4(HRAS):c.-10C>T

Genes: HRAS (HRas proto-oncogene, GTPase; minus strand), LRRC56 (leucine rich repeat containing 56; plus strand). Cytogenetic location: 11p15.5.
Variant type: single nucleotide variant.
Coding change: c.-10C>T on transcript NM_005343.4 (MANE Select); 10 bases upstream of the start codon, C replaced by T.
Molecular consequence: 5 prime UTR variant.
Genome position (GRCh38, 1-based): chr11:534,332, G>A on the plus strand (C>T on the coding strand, the complement: HRAS is on the minus strand). VCF-style: chr11-534332-G-A. GRCh37 (hg19) VCF-style: chr11-534332-G-A.
Other names: c.-10C>T (NM_001130442.3, NM_176795.5); c.-329C>T (NM_001318054.2).
Identifiers: ClinVar variation 137556 (VCV000137556.40), dbSNP rs41294870, ClinGen allele CA180605.